The following is an entry in ClinVar:

ClinVar aggregate classification (germline): Uncertain significance (1 of 4 stars; one submission).

Conditions:
Familial acute necrotizing encephalopathy (IIAE3). Also called: ENCEPHALOPATHY, ACUTE, INFECTION-INDUCED, SUSCEPTIBILITY TO, 3; Susceptibility to Acute Necrotizing Encephalopathy 1. Identifiers: Orphanet 88619, MedGen C2675556, MONDO:0011953, OMIM 608033.

Submission:

Laboratorio de Genetica e Diagnostico Molecular, Hospital Israelita Albert Einstein
Classification: Uncertain significance for Familial acute necrotizing encephalopathy. Last evaluated: 2022-02-14. Review status: criteria provided, single submitter. Criteria: ACMG Guidelines, 2015. Collection method: clinical testing. Allele origin: germline. Affected: yes.
Comment: ACMG classification criteria: PM2 moderate, BP4 supporting

NM_006267.5(RANBP2):c.7036G>C (p.Val2346Leu)

Gene: RANBP2 (RAN binding protein 2; plus strand). Cytogenetic location: 2q13.
Variant type: single nucleotide variant.
Coding change: c.7036G>C on transcript NM_006267.5 (MANE Select); coding-DNA position 7036, G replaced by C.
Protein change: p.Val2346Leu; replaces valine 2346 with leucine.
Molecular consequence: missense variant.
Genome position (GRCh38, 1-based): chr2:108,767,575, G>C. VCF-style: chr2-108767575-G-C. GRCh37 (hg19) VCF-style: chr2-109384031-G-C.
Other names: short protein forms V2346L.
Identifiers: ClinVar variation 1683640 (VCV001683640.2), dbSNP rs1242335203, ClinGen allele CA348076893.
Genomic context (GRCh38, chr2:108,767,575, plus strand): 5'-GAGGAAAATGAACAAGTTGTTTTTAGTCACAGGGCAAAACTCTACAGATATGATAAAGAT[G>C]TTGGTCAATGGAAAGAAAGGGGCATTGGTGATATAAAGATTTTACAGAATTATGATAATA-3'
Protein context (NP_006258.3, residues 2336-2356): RAKLYRYDKD[Val2346Leu]GQWKERGIGD